The following is an entry in ClinVar:

ClinVar aggregate classification (germline): Uncertain significance. Review status: criteria provided, multiple submitters, no conflicts (2 of 4 stars). 2 submissions from 2 submitters: Uncertain significance (2). Last evaluated 2025-03-30.

Allele frequency attached by ClinVar (database versions not stated): gnomAD 0.00004 and 0.00005; gnomAD exomes 0.00004 and 0.00006; TOPMed 0.00004; ExAC 0.00003.
gnomAD v4.1: 97 of 1,611,782 alleles (0.006%); highest among the groups gnomAD compares: Non-Finnish European, 0.0075%; no homozygotes.

Submissions (2):

Labcorp Genetics (formerly Invitae), Labcorp
Classification: Uncertain significance. Last evaluated: 2025-03-30. Review status: criteria provided, single submitter. Criteria: Invitae Variant Classification Sherloc (09022015). Collection method: clinical testing. Allele origin: germline.
Comment: This sequence change replaces alanine, which is neutral and non-polar, with threonine, which is neutral and polar, at codon 120 of the CD81 protein (p.Ala120Thr). This variant is present in population databases (rs746119080, gnomAD 0.006%). This variant has not been reported in the literature in individuals affected with CD81-related conditions. ClinVar contains an entry for this variant (Variation ID: 636762). An algorithm developed to predict the effect of missense changes on protein structure and function (PolyPhen-2) suggests that this variant is likely to be tolerated. In summary, the available evidence is currently insufficient to determine the role of this variant in disease. Therefore, it has been classified as a Variant of Uncertain Significance.

Blueprint Genetics
Classification: Uncertain significance. Last evaluated: 2024-10-16. Review status: criteria provided, single submitter. Criteria: ACMG Guidelines, 2015. Collection method: clinical testing. Allele origin: germline.

NM_004356.4(CD81):c.358G>A (p.Ala120Thr)

Gene: CD81 (CD81 molecule; plus strand). Cytogenetic location: 11p15.5.
Variant type: single nucleotide variant.
Coding change: c.358G>A on transcript NM_004356.4 (MANE Select); coding-DNA position 358, G replaced by A.
Protein change: p.Ala120Thr; replaces alanine 120 with threonine.
Molecular consequence: missense variant.
Genome position (GRCh38, 1-based): chr11:2,395,419, G>A. VCF-style: chr11-2395419-G-A. GRCh37 (hg19) VCF-style: chr11-2416649-G-A.
Other names: c.145G>A, p.Ala49Thr (NM_001297649.2); short protein forms A120T, A49T.
Identifiers: ClinVar variation 636762 (VCV000636762.4), dbSNP rs746119080, ClinGen allele CA5819989.